The following is an entry in ClinVar:

ClinVar aggregate classification (germline): Likely pathogenic (1 of 4 stars; one submission).

Conditions:
Niemann-Pick disease, type C1. Also called: NEUROVISCERAL STORAGE DISEASE WITH VERTICAL SUPRANUCLEAR OPHTHALMOPLEGIA; NIEMANN-PICK DISEASE WITH CHOLESTEROL ESTERIFICATION BLOCK; NIEMANN-PICK DISEASE WITHOUT SPHINGOMYELINASE DEFICIENCY; NIEMANN-PICK DISEASE, CHRONIC NEURONOPATHIC FORM; NIEMANN-PICK DISEASE, VARIANT TYPE C1. Identifiers: Orphanet 646, MedGen C3179455, MONDO:0009757, OMIM 257220.

gnomAD v4.1: 1 of 1,596,022 alleles (0.000063%); highest among the groups gnomAD compares: Non-Finnish European, 0.000086%; no homozygotes.

Submission:

Pittsburgh Clinical Genomics Laboratory, University of Pittsburgh Medical Center
Classification: Likely pathogenic for Niemann-Pick disease, type C1. Last evaluated: 2023-02-22. Review status: criteria provided, single submitter. Criteria: ACMG Guidelines, 2015. Collection method: clinical testing. Allele origin: germline. Inheritance: Autosomal recessive inheritance. Affected: yes.
Comment: This sequence variant is a single nucleotide substitution (T>G) at coding position 1747 in the NPC1 gene which results in a tryptophan to glycine amino acid change at residue 583 in the NPC1 protein. This variant is present in 1/31390 alleles (0.003%) in the gnomAD population database. Multiple bioinformatic tools predict that this amino acid change will be damaging, and tryptophan is highly conserved at this position in vertebrates. Given the available information, we consider we consider this variant to be likely pathogenic. ACMG Criteria: PM2, PM3, PP2, PP3

NM_000271.5(NPC1):c.1747T>G (p.Trp583Gly)

Gene: NPC1 (NPC intracellular cholesterol transporter 1; minus strand). Cytogenetic location: 18q11.2.
Variant type: single nucleotide variant.
Coding change: c.1747T>G on transcript NM_000271.5 (MANE Select); coding-DNA position 1747, T replaced by G.
Protein change: p.Trp583Gly; replaces tryptophan 583 with glycine.
Molecular consequence: missense variant.
Genome position (GRCh38, 1-based): chr18:23,548,016, A>C on the plus strand (T>G on the coding strand, the complement: NPC1 is on the minus strand). VCF-style: chr18-23548016-A-C. GRCh37 (hg19) VCF-style: chr18-21127980-A-C.
Other names: short protein forms W583G.
Identifiers: ClinVar variation 3376180 (VCV003376180.1).